The following is an entry in ClinVar:

ClinVar aggregate classification (germline): Pathogenic (1 of 4 stars; one submission).

Conditions:
Tyrosinemia type I (TYRSN1). Also called: Tyrosinemia type 1; Fumarylacetoacetase deficiency; Deficiency of fumarylacetoacetase; HEPATORENAL TYROSINEMIA; FAH DEFICIENCY. Identifiers: Orphanet 882, MedGen C0268490, MONDO:0010161, OMIM 276700. Disease mechanism: loss of function.

Submission:

Labcorp Genetics (formerly Invitae), Labcorp
Classification: Pathogenic for Tyrosinemia type I. Last evaluated: 2022-11-02. Review status: criteria provided, single submitter. Criteria: Invitae Variant Classification Sherloc (09022015). Collection method: clinical testing. Allele origin: germline.
Comment: For these reasons, this variant has been classified as Pathogenic. This variant has not been reported in the literature in individuals affected with FAH-related conditions. This variant is a gross deletion of the genomic region encompassing exon(s) 6-7 of the FAH gene. This deletion is out-of-frame, and is expected to create a premature termination codon and result in an absent or disrupted protein product. Loss-of-function variants in FAH are known to be pathogenic (PMID: 9101289, 9633815).

Literature cited by the submitters: PubMed 9101289; PubMed 9633815.

NC_000015.9:g.(?_80460384)_(80460668_?)del

Gene: FAH (fumarylacetoacetate hydrolase; plus strand). Cytogenetic location: 15q25.1.
Variant type: Deletion.
Identifiers: ClinVar variation 1071697 (VCV001071697.5).